The following is an entry in ClinVar:

NM_001378457.1(DMXL2):c.2314+6T>G

Gene: DMXL2 (Dmx like 2; minus strand). Cytogenetic location: 15q21.2.
Variant type: single nucleotide variant.
Coding change: c.2314+6T>G on transcript NM_001378457.1 (MANE Select); 6 bases into the intron after coding-DNA position 2314, T replaced by G.
Molecular consequence: intron variant.
Genome position (GRCh38, 1-based): chr15:51,536,160, A>C on the plus strand (T>G on the coding strand, the complement: DMXL2 is on the minus strand). VCF-style: chr15-51536160-A-C. GRCh37 (hg19) VCF-style: chr15-51828357-A-C.
Other names: c.2314+6T>G (NM_001378460.1, NM_001174117.3, NM_015263.5 and 6 more transcripts); c.2074+6T>G (NM_001378464.1).
Identifiers: ClinVar variation 2203460 (VCV002203460.2), dbSNP rs376897241, ClinGen allele CA7562415.
Genomic context (GRCh38, chr15:51,536,160, plus strand): 5'-ATTTCGTATATAACAAATAATAGTTTAAAAGCTTGTGTTAATTTCACAATTACAATGAAC[A>C]CTTACCTAGACAGTAACTGGGAATGAGAGTTGGAAGCCAAGCCACATTAGAGAACGCTGA-3'

ClinVar aggregate classification (germline): Uncertain significance. Review status: criteria provided, multiple submitters, no conflicts (2 of 4 stars). 2 submissions from 2 submitters: Uncertain significance (2). Last evaluated 2023-10-23.

Conditions:
Developmental and epileptic encephalopathy, 81. Also called: EPILEPTIC ENCEPHALOPATHY, EARLY INFANTILE, 81. Identifiers: MedGen C5231450, MONDO:0032858, OMIM 618663.

Allele frequency attached by ClinVar (database versions not stated): gnomAD exomes 0.00003; ExAC 0.00021; gnomAD 0.00043; ESP Exome Variant Server 0.00054; TOPMed 0.00057; 1000 Genomes Project 0.00060; 1000 Genomes Project 30x 0.00062.
gnomAD v4.1: 109 of 1,549,042 alleles (0.007%); highest among the groups gnomAD compares: African/African-American, 0.13%; no homozygotes.

Submissions (2):

Clinical Genomics Laboratory, Washington University in St. Louis
Classification: Uncertain significance for Developmental and epileptic encephalopathy, 81. Last evaluated: 2023-10-23. Review status: criteria provided, single submitter. Criteria: ACMG Guidelines, 2015. Collection method: clinical testing. Allele origin: germline.
Comment: The DMXL2 c.2314+6T>G variant, to our knowledge, has not been reported in the medical literature. The highest population minor allele frequency in the population database genome aggregation database (v.2.1.1) is 0.17% in African population. Computational predictors are uncertain as to the impact of splicing and overall effect on DMXL2 function. This variant has been reported in the ClinVar database as a variant of uncertain significance by one submitter. Due to limited information, and based on ACMG/AMP guidelines for variant interpretation (Richards S et al., PMID: 25741868), the clinical significance of this variant is uncertain at this time.

Labcorp Genetics (formerly Invitae), Labcorp
Classification: Uncertain significance. Last evaluated: 2022-09-12. Review status: criteria provided, single submitter. Criteria: Invitae Variant Classification Sherloc (09022015). Collection method: clinical testing. Allele origin: germline.
Comment: This sequence change falls in intron 12 of the DMXL2 gene. It does not directly change the encoded amino acid sequence of the DMXL2 protein. It affects a nucleotide within the consensus splice site. This variant is present in population databases (rs376897241, gnomAD 0.2%). This variant has not been reported in the literature in individuals affected with DMXL2-related conditions. Variants that disrupt the consensus splice site are a relatively common cause of aberrant splicing (PMID: 17576681, 9536098). Algorithms developed to predict the effect of sequence changes on RNA splicing suggest that this variant is not likely to affect RNA splicing. In summary, the available evidence is currently insufficient to determine the role of this variant in disease. Therefore, it has been classified as a Variant of Uncertain Significance.

Literature cited by the submitters: PubMed 17576681 (cited by Labcorp Genetics (formerly Invitae), Labcorp); PubMed 9536098 (cited by Labcorp Genetics (formerly Invitae), Labcorp).